The following is an entry in ClinVar:

ClinVar aggregate classification (germline): Likely benign. Review status: criteria provided, multiple submitters, no conflicts (2 of 4 stars). 3 submissions from 3 submitters: Likely benign (3). Last evaluated 2026-07-19.

Conditions:
NOTCH1-related disorder. Also called: NOTCH1-related condition; NOTCH1-related disorders.
Adams-Oliver syndrome 5 (AOS5). Identifiers: Orphanet 974, MedGen C4014970, MONDO:0014459, OMIM 616028.
Familial thoracic aortic aneurysm and aortic dissection (TAAD). Also called: Thoracic aortic aneurysms and dissections. Identifiers: Orphanet 91387, MedGen C4707243, MONDO:0019625.

Allele frequency attached by ClinVar (database versions not stated): gnomAD 0.00002; ExAC 0.00008; gnomAD exomes 0.00004.
gnomAD v4.1: 32 of 1,612,114 alleles (0.002%); highest among the groups gnomAD compares: African/African-American, 0.0027%; no homozygotes.

Submissions (3):

Ambry Genetics
Classification: Likely benign for Familial thoracic aortic aneurysm and aortic dissection. Last evaluated: 2026-07-19. Review status: criteria provided, single submitter. Criteria: Ambry Variant Classification Scheme 2023. Collection method: clinical testing. Allele origin: germline.

Labcorp Genetics (formerly Invitae), Labcorp
Classification: Likely benign for Adams-Oliver syndrome 5. Last evaluated: 2025-10-01. Review status: criteria provided, single submitter. Criteria: Invitae Variant Classification Sherloc (09022015). Collection method: clinical testing. Allele origin: germline.

PreventionGenetics, part of Exact Sciences
Classification: Likely benign for NOTCH1-related condition. Last evaluated: 2024-10-10. Review status: criteria provided, single submitter. Criteria: ACMG Guidelines, 2015. Collection method: clinical testing. Allele origin: germline.
Comment: This variant is classified as likely benign based on ACMG/AMP sequence variant interpretation guidelines (Richards et al. 2015 PMID: 25741868, with internal and published modifications).

NM_017617.5(NOTCH1):c.2523C>T (p.Gly841=)

Gene: NOTCH1 (notch receptor 1; minus strand). Cytogenetic location: 9q34.3.
Variant type: single nucleotide variant.
Coding change: c.2523C>T on transcript NM_017617.5 (MANE Select); coding-DNA position 2523, C replaced by T.
Protein change: p.Gly841=; no amino-acid change (glycine 841 retained).
Molecular consequence: synonymous variant.
Genome position (GRCh38, 1-based): chr9:136,511,216, G>A on the plus strand (C>T on the coding strand, the complement: NOTCH1 is on the minus strand). VCF-style: chr9-136511216-G-A. GRCh37 (hg19) VCF-style: chr9-139405668-G-A.
Other names: c.2523C>T (NM_017617.4, NM_017617.3).
Identifiers: ClinVar variation 1094321 (VCV001094321.12), dbSNP rs779908981, ClinGen allele CA5341280.